The following is an entry in ClinVar:

ClinVar aggregate classification (germline): Pathogenic (1 of 4 stars; one submission).

Conditions:
CEP290-related ciliopathy. Also called: CEP290 ciliopathy. Identifiers: MedGen CN305601, MONDO:0100451.

gnomAD v4.1: 2 of 1,171,924 alleles (0.00017%); highest among the groups gnomAD compares: East Asian, 0.0056%; no homozygotes.

Submission:

Myriad Genetics, Inc.
Classification: Pathogenic for CEP290-related ciliopathy. Last evaluated: 2025-06-18. Review status: criteria provided, single submitter. Criteria: Myriad Autosomal Dominant, Autosomal Recessive and X-Linked Classification Criteria (2023). Collection method: clinical testing. Allele origin: unknown.
Comment: NM_025114.3(CEP290):c.260T>G(L87*) is expected to be pathogenic in the context of CEP290-related disorders. This variant is predicted to lead to an abnormal or absent protein product due to the creation of a premature termination codon in CEP290, a gene where loss-of-function variants are known to be pathogenic. Please note: this variant was assessed in the context of healthy population screening.

NM_025114.4(CEP290):c.260T>G (p.Leu87Ter)

Gene: CEP290 (centrosomal protein 290; minus strand). Cytogenetic location: 12q21.32.
Variant type: single nucleotide variant.
Coding change: c.260T>G on transcript NM_025114.4 (MANE Select); coding-DNA position 260, T replaced by G.
Protein change: p.Leu87Ter; replaces leucine 87 with a stop codon.
Molecular consequence: nonsense.
Genome position (GRCh38, 1-based): chr12:88,139,182, A>C on the plus strand (T>G on the coding strand, the complement: CEP290 is on the minus strand). VCF-style: chr12-88139182-A-C. GRCh37 (hg19) VCF-style: chr12-88532959-A-C.
Other names: short protein forms L87*.
Identifiers: ClinVar variation 5014613 (VCV005014613.1).